The following is an entry in ClinVar:

NM_000142.5(FGFR3):c.1838G>A (p.Cys613Tyr)

Gene: FGFR3 (fibroblast growth factor receptor 3; plus strand). Cytogenetic location: 4p16.3.
Variant type: single nucleotide variant.
Coding change: c.1838G>A on transcript NM_000142.5 (MANE Select); coding-DNA position 1838, G replaced by A.
Protein change: p.Cys613Tyr; replaces cysteine 613 with tyrosine.
Molecular consequence: missense variant. On other transcripts: non-coding transcript variant (1).
Genome position (GRCh38, 1-based): chr4:1,806,052, G>A. VCF-style: chr4-1806052-G-A. GRCh37 (hg19) VCF-style: chr4-1807779-G-A.
Other names: c.1844G>A, p.Cys615Tyr (NM_001163213.2); c.1841G>A, p.Cys614Tyr (NM_001354809.2, NM_001354810.2); c.1502G>A, p.Cys501Tyr (NM_022965.4); short protein forms C501Y, C613Y, C614Y, C615Y.
Identifiers: ClinVar variation 1306088 (VCV001306088.2), dbSNP rs1293700770, ClinGen allele CA355982202.

ClinVar aggregate classification (germline): Uncertain significance (1 of 4 stars; one submission).

Allele frequency attached by ClinVar (database versions not stated): gnomAD exomes below 0.00001.
gnomAD v4.1: 5 of 1,613,358 alleles (0.00031%); highest among the groups gnomAD compares: South Asian, 0.0022%; no homozygotes.

Submission:

GeneDx
Classification: Uncertain significance. Last evaluated: 2020-04-30. Review status: criteria provided, single submitter. Criteria: GeneDx Variant Classification Process June 2021. Collection method: clinical testing. Allele origin: germline. Affected: yes.
Comment: Not observed at a significant frequency in large population cohorts (Lek et al., 2016); In silico analysis supports that this missense variant has a deleterious effect on protein structure/function; Has not been previously published as pathogenic or benign to our knowledge